The following is an entry in ClinVar:

ClinVar aggregate classification (germline): Uncertain significance (1 of 4 stars; one submission).

Conditions:
Glycogen storage disease type III (GSD3). Also called: FORBES DISEASE; Cori disease. Identifiers: Orphanet 366, MedGen C0017922, MONDO:0009291, OMIM 232400.

Submission:

Labcorp Genetics (formerly Invitae), Labcorp
Classification: Uncertain significance for Glycogen storage disease type III. Last evaluated: 2021-11-07. Review status: criteria provided, single submitter. Criteria: Invitae Variant Classification Sherloc (09022015). Collection method: clinical testing. Allele origin: germline.
Comment: This sequence change falls in intron 17 of the AGL gene. It does not directly change the encoded amino acid sequence of the AGL protein. It affects a nucleotide within the consensus splice site. This variant is not present in population databases (gnomAD no frequency). This variant has not been reported in the literature in individuals affected with AGL-related conditions. Variants that disrupt the consensus splice site are a relatively common cause of aberrant splicing (PMID: 17576681, 9536098). Algorithms developed to predict the effect of sequence changes on RNA splicing suggest that this variant is not likely to affect RNA splicing. In summary, the available evidence is currently insufficient to determine the role of this variant in disease. Therefore, it has been classified as a Variant of Uncertain Significance.

Literature cited by the submitters: PubMed 17576681; PubMed 9536098.

NM_000642.3(AGL):c.2308+6G>A

Gene: AGL (amylo-alpha-1,6-glucosidase and 4-alpha-glucanotransferase; plus strand). Cytogenetic location: 1p21.2.
Variant type: single nucleotide variant.
Coding change: c.2308+6G>A on transcript NM_000642.3 (MANE Select); 6 bases into the intron after coding-DNA position 2308, G replaced by A.
Molecular consequence: intron variant.
Genome position (GRCh38, 1-based): chr1:99,881,697, G>A. VCF-style: chr1-99881697-G-A. GRCh37 (hg19) VCF-style: chr1-100347253-G-A.
Other names: c.2308+6G>A (NM_000643.3, NM_000644.3, NM_001425326.1 and 2 more transcripts); c.2260+6G>A (NM_000646.3); c.2107+6G>A (NM_001425327.1); c.2104+6G>A (NM_001425328.1, NM_001425329.1); c.1930+6G>A (NM_001425332.1).
Identifiers: ClinVar variation 1420265 (VCV001420265.3), dbSNP rs2100760748, ClinGen allele CA2573131996.
Genomic context (GRCh38, chr1:99,881,697, plus strand): 5'-AGGAATCCCAAGACTTCATTTTACAGCAAGGAAGTGCCTCAAATGTGCATCCCTGGTAAT[G>A]CAATCTAAAAATTGTTACTGTATTTGTATTATATTATTATATTAAATTATACTGTAATGT-3'